The following is an entry in ClinVar:

ClinVar aggregate classification (germline): Uncertain significance (1 of 4 stars; one submission).

Conditions:
Hereditary spastic paraplegia 31. Also called: SPASTIC PARAPLEGIA 31, AUTOSOMAL DOMINANT. Identifiers: Orphanet 101011, MedGen C1853247, MONDO:0012453, OMIM 610250.

Allele frequency attached by ClinVar (database versions not stated): gnomAD exomes below 0.00001; TOPMed 0.00001.
gnomAD v4.1: 4 of 1,292,818 alleles (0.00031%); highest among the groups gnomAD compares: East Asian, 0.0033%; no homozygotes.

Submission:

Labcorp Genetics (formerly Invitae), Labcorp
Classification: Uncertain significance for Hereditary spastic paraplegia 31. Last evaluated: 2024-09-03. Review status: criteria provided, single submitter. Criteria: Invitae Variant Classification Sherloc (09022015). Collection method: clinical testing. Allele origin: germline.
Comment: This sequence change replaces valine, which is neutral and non-polar, with methionine, which is neutral and non-polar, at codon 2 of the REEP1 protein (p.Val2Met). This variant is not present in population databases (gnomAD no frequency). This variant has not been reported in the literature in individuals affected with REEP1-related conditions. ClinVar contains an entry for this variant (Variation ID: 1426831). An algorithm developed to predict the effect of missense changes on protein structure and function (PolyPhen-2) suggests that this variant is likely to be disruptive. In summary, the available evidence is currently insufficient to determine the role of this variant in disease. Therefore, it has been classified as a Variant of Uncertain Significance.

NM_001371279.1(REEP1):c.4G>A (p.Val2Met)

Gene: REEP1 (receptor accessory protein 1; minus strand). Cytogenetic location: 2p11.2.
Variant type: single nucleotide variant.
Coding change: c.4G>A on transcript NM_001371279.1 (MANE Select); coding-DNA position 4, G replaced by A.
Protein change: p.Val2Met; replaces valine 2 with methionine.
Molecular consequence: missense variant. On other transcripts: 5 prime UTR variant (1), intron variant (1).
Genome position (GRCh38, 1-based): chr2:86,337,507, C>T on the plus strand (G>A on the coding strand, the complement: REEP1 is on the minus strand). VCF-style: chr2-86337507-C-T. GRCh37 (hg19) VCF-style: chr2-86564630-C-T.
Other names: c.-5G>A (NM_001164731.2); c.4G>A, p.Val2Met (NM_001164732.2, NM_001371280.1, NM_022912.3); c.53+517G>A (NM_001164730.2); short protein forms V2M.
Identifiers: ClinVar variation 1426831 (VCV001426831.8), dbSNP rs898778508, ClinGen allele CA51490176.
Genomic context (GRCh38, chr2:86,337,507, plus strand): 5'-GACGGAGGGGCGCGGGGGAGAAGGCCACTTACACCACCAGCCTGGAGATGATCCATGACA[C>T]CATGGCGGGCAGGCGGGCGGGCGAGGCCCGGGCGGCGCGGCTCGGCTAGGCTGCGGGCGG-3'
Protein context (NP_001358208.1, residues 1-12): M[Val2Met]SWIISRLVVL